The following is an entry in ClinVar:

ClinVar aggregate classification (germline): Conflicting classifications of pathogenicity. Review status: criteria provided, conflicting classifications (1 of 4 stars). 3 submissions from 3 submitters: Uncertain significance (1); Likely benign (1). 1 of the submissions does not count toward it. Last evaluated 2025-01-06.

Conditions:
Spastic paraplegia. Identifiers: MedGen C0037772, HP:0001258.
Charlevoix-Saguenay spastic ataxia (SACS). Also called: SPASTIC ATAXIA 6, AUTOSOMAL RECESSIVE; AUTOSOMAL RECESSIVE SPASTIC ATAXIA OF CHARLEVOIX-SAGUENAY; Spastic ataxia of Charlevoix-Saguenay. Identifiers: Orphanet 98, MedGen C1849140, MONDO:0010041, OMIM 270550.

Allele frequency attached by ClinVar (database versions not stated): gnomAD 0.00001; gnomAD exomes 0.00002; TOPMed 0.00002; ExAC 0.00003; ESP Exome Variant Server 0.00008.
gnomAD v4.1: 58 of 1,608,152 alleles (0.0036%); highest among the groups gnomAD compares: Non-Finnish European, 0.0047%; no homozygotes.

Submissions (3):

Labcorp Genetics (formerly Invitae), Labcorp
Classification: Likely benign for Spastic paraplegia. Last evaluated: 2025-01-06. Review status: criteria provided, single submitter. Criteria: Invitae Variant Classification Sherloc (09022015). Collection method: clinical testing. Allele origin: germline.

Athena Diagnostics
Classification: Uncertain significance. Last evaluated: 2024-02-27. Review status: criteria provided, single submitter. Criteria: Athena Diagnostics Criteria. Collection method: clinical testing. Allele origin: unknown.
Comment: Available data are insufficient to determine the clinical significance of the variant at this time. The frequency of this variant in the general population is uninformative in assessment of its pathogenicity. Computational tools predict that this variant is not damaging.

Natera, Inc.
Classification: Uncertain significance for Charlevoix-Saguenay type spastic ataxia. Last evaluated: 2020-09-16. Review status: no assertion criteria provided. Collection method: clinical testing. Allele origin: germline. Not counted in ClinVar's aggregate classification.

NM_014363.6(SACS):c.3017A>G (p.His1006Arg)

Gene: SACS (sacsin molecular chaperone; minus strand). Cytogenetic location: 13q12.12.
Variant type: single nucleotide variant.
Coding change: c.3017A>G on transcript NM_014363.6 (MANE Select); coding-DNA position 3017, A replaced by G.
Protein change: p.His1006Arg; replaces histidine 1006 with arginine.
Molecular consequence: missense variant.
Genome position (GRCh38, 1-based): chr13:23,340,859, T>C on the plus strand (A>G on the coding strand, the complement: SACS is on the minus strand). VCF-style: chr13-23340859-T-C. GRCh37 (hg19) VCF-style: chr13-23914998-T-C.
Other names: c.2576A>G, p.His859Arg (NM_001278055.2); short protein forms H1006R, H859R.
Identifiers: ClinVar variation 586430 (VCV000586430.8), dbSNP rs368149368, ClinGen allele CA6911578.